The following is an entry in ClinVar:

NM_000465.4(BARD1):c.215+8A>G

Gene: BARD1 (BRCA1 associated RING domain 1; minus strand). Cytogenetic location: 2q35.
Variant type: single nucleotide variant.
Coding change: c.215+8A>G on transcript NM_000465.4 (MANE Select); 8 bases into the intron after coding-DNA position 215, A replaced by G.
Molecular consequence: intron variant.
Genome position (GRCh38, 1-based): chr2:214,797,053, T>C on the plus strand (A>G on the coding strand, the complement: BARD1 is on the minus strand). VCF-style: chr2-214797053-T-C. GRCh37 (hg19) VCF-style: chr2-215661777-T-C.
Other names: c.158+12359A>G (NM_001282548.2); c.159-4608A>G (NM_001282543.2); c.215+8A>G (NM_001282545.2, NM_001282549.2).
Identifiers: ClinVar variation 3379329 (VCV003379329.3).

ClinVar aggregate classification (germline): Likely benign. Review status: criteria provided, multiple submitters, no conflicts (2 of 4 stars). 2 submissions from 2 submitters: Likely benign (2). Last evaluated 2024-07-18.

Conditions:
Familial cancer of breast. Also called: hereditary breast carcinoma; Hereditary breast cancer; BREAST CANCER, FAMILIAL. Identifiers: Orphanet 227535, MedGen C0346153, MONDO:0016419, OMIM 114480. Disease mechanism: loss of function.

gnomAD v4.1: 1 of 1,604,502 alleles (0.000062%); highest among the groups gnomAD compares: Non-Finnish European, 0.000085%; no homozygotes.

Submissions (2):

Myriad Genetics, Inc.
Classification: Likely benign for Familial cancer of breast. Last evaluated: 2024-07-18. Review status: criteria provided, single submitter. Criteria: Myriad Autosomal Dominant, Autosomal Recessive and X-Linked Classification Criteria (2023). Collection method: clinical testing. Allele origin: unknown.
Comment: This variant is considered likely benign. This variant is intronic and is not expected to impact mRNA splicing.

Labcorp Genetics (formerly Invitae), Labcorp
Classification: Likely benign for Familial cancer of breast. Last evaluated: 2024-04-15. Review status: criteria provided, single submitter. Criteria: Invitae Variant Classification Sherloc (09022015). Collection method: clinical testing. Allele origin: germline.